The following is an entry in ClinVar:

ClinVar aggregate classification (germline): Uncertain significance (1 of 4 stars; one submission).

Allele frequency attached by ClinVar (database versions not stated): gnomAD exomes below 0.00001 and 0.00005; gnomAD 0.00001; 1000 Genomes Project 30x 0.00016; 1000 Genomes Project 0.00020.
gnomAD v4.1: 75 of 1,586,986 alleles (0.0047%); highest among the groups gnomAD compares: East Asian, 0.13%; 1 homozygote.

Submission:

Labcorp Genetics (formerly Invitae), Labcorp
Classification: Uncertain significance. Last evaluated: 2025-07-21. Review status: criteria provided, single submitter. Criteria: Invitae Variant Classification Sherloc (09022015). Collection method: clinical testing. Allele origin: germline.
Comment: This sequence change replaces valine, which is neutral and non-polar, with methionine, which is neutral and non-polar, at codon 1253 of the ERBB2 protein (p.Val1253Met). The frequency data for this variant in the population databases is considered unreliable, as metrics indicate poor data quality at this position in the gnomAD database. This variant has not been reported in the literature in individuals affected with ERBB2-related conditions. ClinVar contains an entry for this variant (Variation ID: 1390013). An algorithm developed to predict the effect of missense changes on protein structure and function outputs the following: PolyPhen-2: "Benign". The methionine amino acid residue is found in multiple mammalian species, which suggests that this missense change does not adversely affect protein function. In summary, the available evidence is currently insufficient to determine the role of this variant in disease. Therefore, it has been classified as a Variant of Uncertain Significance.

NM_004448.4(ERBB2):c.3757G>A (p.Val1253Met)

Gene: ERBB2 (erb-b2 receptor tyrosine kinase 2; plus strand). Cytogenetic location: 17q12.
Variant type: single nucleotide variant.
Coding change: c.3757G>A on transcript NM_004448.4 (MANE Select); coding-DNA position 3757, G replaced by A.
Protein change: p.Val1253Met; replaces valine 1253 with methionine.
Molecular consequence: missense variant. On other transcripts: 3 prime UTR variant (2), non-coding transcript variant (1).
Genome position (GRCh38, 1-based): chr17:39,728,033, G>A. VCF-style: chr17-39728033-G-A. GRCh37 (hg19) VCF-style: chr17-37884286-G-A.
Other names: c.3667G>A, p.Val1223Met (NM_001005862.3, NM_001382782.1, NM_001382783.1); c.3712G>A, p.Val1238Met (NM_001289936.2); c.*336G>A (NM_001289937.2, NM_001382803.1); c.3874G>A, p.Val1292Met (NM_001382784.1); c.3859G>A, p.Val1287Met (NM_001382785.1); c.3838G>A, p.Val1280Met (NM_001382786.1); c.3832G>A, p.Val1278Met (NM_001382787.1); c.3787G>A, p.Val1263Met (NM_001382788.1); and 16 more; short protein forms V1167M, V1201M, V1223M, V1224M, V1239M, V1238M, V1241M, V1278M.
Identifiers: ClinVar variation 1390013 (VCV001390013.8), dbSNP rs36085723, ClinGen allele CA290444231.
Genomic context (GRCh38, chr17:39,728,033, plus strand): 5'-CCACCCAGCACCTTCAAAGGGACACCTACGGCAGAGAACCCAGAGTACCTGGGTCTGGAC[G>A]TGCCAGTGTGAACCAGAAGGCCAAGTCCGCAGAAGCCCTGATGTGTCCTCAGGGAGCAGG-3'
Protein context (NP_004439.2, residues 1243-1255): AENPEYLGLD[Val1253Met]PV